The following is an entry in ClinVar:

NM_001005361.3(DNM2):c.1697C>T (p.Pro566Leu)

Gene: DNM2 (dynamin 2; plus strand). Cytogenetic location: 19p13.2.
Variant type: single nucleotide variant.
Coding change: c.1697C>T on transcript NM_001005361.3 (MANE Select); coding-DNA position 1697, C replaced by T.
Protein change: p.Pro566Leu; replaces proline 566 with leucine.
Molecular consequence: missense variant.
Genome position (GRCh38, 1-based): chr19:10,820,005, C>T. VCF-style: chr19-10820005-C-T. GRCh37 (hg19) VCF-style: chr19-10930681-C-T.
Other names: c.1697C>T, p.Pro566Leu (NM_001005360.3, NM_001190716.2); c.1685C>T, p.Pro562Leu (NM_001005362.3, NM_004945.4); short protein forms P562L, P566L.
Identifiers: ClinVar variation 2806344 (VCV002806344.3), dbSNP rs2513333337, ClinGen allele CA404040356.

ClinVar aggregate classification (germline): Uncertain significance (1 of 4 stars; one submission).

Conditions:
Charcot-Marie-Tooth disease dominant intermediate B (CMTDIB). Also called: CHARCOT-MARIE-TOOTH NEUROPATHY, DOMINANT INTERMEDIATE B; Charcot-Marie-Tooth disease dominant intermediate 1; CMT DI1; Charcot-Marie-Tooth disease dominant intermediate I. Identifiers: Orphanet 100044, Orphanet 228179, MedGen C1847902, MONDO:0011674, OMIM 606482.

Allele frequency attached by ClinVar (database versions not stated): gnomAD exomes below 0.00001.
gnomAD v4.1: 1 of 1,614,186 alleles (0.000062%); highest among the groups gnomAD compares: Non-Finnish European, 0.000085%; no homozygotes.

Submission:

Labcorp Genetics (formerly Invitae), Labcorp
Classification: Uncertain significance for Charcot-Marie-Tooth disease dominant intermediate B. Last evaluated: 2023-10-05. Review status: criteria provided, single submitter. Criteria: Invitae Variant Classification Sherloc (09022015). Collection method: clinical testing. Allele origin: germline.
Comment: This sequence change replaces proline, which is neutral and non-polar, with leucine, which is neutral and non-polar, at codon 566 of the DNM2 protein (p.Pro566Leu). This variant is not present in population databases (gnomAD no frequency). This variant has not been reported in the literature in individuals affected with DNM2-related conditions. Advanced modeling of protein sequence and biophysical properties (such as structural, functional, and spatial information, amino acid conservation, physicochemical variation, residue mobility, and thermodynamic stability) has been performed at Invitae for this missense variant, however the output from this modeling did not meet the statistical confidence thresholds required to predict the impact of this variant on DNM2 protein function. In summary, the available evidence is currently insufficient to determine the role of this variant in disease. Therefore, it has been classified as a Variant of Uncertain Significance.